The following is an entry in ClinVar:

ClinVar aggregate classification (germline): Uncertain significance (1 of 4 stars; one submission).

Conditions:
Congenital myopathy with internal nuclei and atypical cores. Also called: Myopathy, centronuclear, 4. Identifiers: Orphanet 319160, MedGen C4707232, MONDO:0013890, OMIM 614807.

gnomAD v4.1: 1 of 1,612,478 alleles (0.000062%); no homozygotes.

Submission:

Labcorp Genetics (formerly Invitae), Labcorp
Classification: Uncertain significance for Congenital myopathy with internal nuclei and atypical cores. Last evaluated: 2022-12-31. Review status: criteria provided, single submitter. Criteria: Invitae Variant Classification Sherloc (09022015). Collection method: clinical testing. Allele origin: germline.
Comment: Advanced modeling of protein sequence and biophysical properties (such as structural, functional, and spatial information, amino acid conservation, physicochemical variation, residue mobility, and thermodynamic stability) performed at Invitae indicates that this missense variant is not expected to disrupt CCDC78 protein function. This variant has not been reported in the literature in individuals affected with CCDC78-related conditions. This variant is not present in population databases (gnomAD no frequency). This sequence change replaces glycine, which is neutral and non-polar, with serine, which is neutral and polar, at codon 110 of the CCDC78 protein (p.Gly110Ser). In summary, the available evidence is currently insufficient to determine the role of this variant in disease. Therefore, it has been classified as a Variant of Uncertain Significance.

NM_001378030.1(CCDC78):c.328G>A (p.Gly110Ser)

Gene: CCDC78 (coiled-coil domain containing 78; minus strand). Cytogenetic location: 16p13.3.
Variant type: single nucleotide variant.
Coding change: c.328G>A on transcript NM_001378030.1 (MANE Select); coding-DNA position 328, G replaced by A.
Protein change: p.Gly110Ser; replaces glycine 110 with serine.
Molecular consequence: missense variant. On other transcripts: non-coding transcript variant (5), intron variant (1).
Genome position (GRCh38, 1-based): chr16:725,520, C>T on the plus strand (G>A on the coding strand, the complement: CCDC78 is on the minus strand). VCF-style: chr16-725520-C-T. GRCh37 (hg19) VCF-style: chr16-775520-C-T.
Other names: c.328G>A, p.Gly110Ser (NM_001031737.3, NM_001378031.1); c.-18-227G>A (NM_001378033.1); short protein forms G110S.
Identifiers: ClinVar variation 2899767 (VCV002899767.3), dbSNP rs777956994, ClinGen allele CA394103747.
Genomic context (GRCh38, chr16:725,520, plus strand): 5'-TGAGCTCTTGGGCTGCTGCCCGGGGATGCCTGGGGTCAGACTCCACTGGGACTGCACAGC[C>T]CTGGCTGGTGCCATCTCCTCGCAGCTCCAGCTCCAGTACCCGGCTCTCCAGCCGAAGGAT-3'
Protein context (NP_001364959.1, residues 100-120): LELRGDGTSQ[Gly110Ser]CAVPVESDPR